The following is an entry in ClinVar:

NM_004836.7(EIF2AK3):c.1264G>A (p.Ala422Thr)

Gene: EIF2AK3 (eukaryotic translation initiation factor 2 alpha kinase 3; minus strand). Cytogenetic location: 2p11.2.
Variant type: single nucleotide variant.
Coding change: c.1264G>A on transcript NM_004836.7 (MANE Select); coding-DNA position 1264, G replaced by A.
Protein change: p.Ala422Thr; replaces alanine 422 with threonine.
Molecular consequence: missense variant.
Genome position (GRCh38, 1-based): chr2:88,588,803, C>T on the plus strand (G>A on the coding strand, the complement: EIF2AK3 is on the minus strand). VCF-style: chr2-88588803-C-T. GRCh37 (hg19) VCF-style: chr2-88888321-C-T.
Other names: c.811G>A, p.Ala271Thr (NM_001313915.2); short protein forms A271T, A422T.
Identifiers: ClinVar variation 727543 (VCV000727543.20), dbSNP rs145427892, ClinGen allele CA1754733.

ClinVar aggregate classification (germline): Conflicting classifications of pathogenicity. Review status: criteria provided, conflicting classifications (1 of 4 stars). 5 submissions from 5 submitters: Uncertain significance (3); Likely benign (1). 1 of the submissions does not count toward it. Last evaluated 2025-12-17.

Conditions:
Wolcott-Rallison dysplasia. Also called: Wolcott-Rallison syndrome; MED-IDDM SYNDROME. Identifiers: Orphanet 1667, MedGen C0432217, MONDO:0009192, OMIM 226980.
EIF2AK3-related disorder. Also called: EIF2AK3-related condition.
Connective tissue disorder. Also called: Connective tissue disease. Identifiers: MedGen C0009782, MONDO:0003900.

Allele frequency attached by ClinVar (database versions not stated): ExAC 0.00036; 1000 Genomes Project 30x 0.00047; 1000 Genomes Project 0.00060; gnomAD 0.00086 and 0.00096; TOPMed 0.00099; ESP Exome Variant Server 0.00177.
gnomAD v4.1: 350 of 1,613,700 alleles (0.022%); highest among the groups gnomAD compares: African/African-American, 0.28%; no homozygotes.

Submissions (5):

Labcorp Genetics (formerly Invitae), Labcorp
Classification: Likely benign. Last evaluated: 2025-12-17. Review status: criteria provided, single submitter. Criteria: Invitae Variant Classification Sherloc (09022015). Collection method: clinical testing. Allele origin: germline.

New York Genome Center
Classification: Uncertain significance for Wolcott-Rallison dysplasia. Last evaluated: 2022-01-03. Review status: criteria provided, single submitter. Criteria: NYGC Assertion Criteria 2020. Collection method: clinical testing. Allele origin: germline. Observed: 1 heterozygote.

Genome Diagnostics Laboratory, The Hospital for Sick Children
Classification: Uncertain significance for Connective tissue disorder. Last evaluated: 2020-04-01. Review status: criteria provided, single submitter. Criteria: ACMG Guidelines, 2015. Collection method: clinical testing. Allele origin: germline.

Illumina Laboratory Services, Illumina
Classification: Uncertain significance for Wolcott-Rallison dysplasia. Last evaluated: 2018-01-12. Review status: criteria provided, single submitter. Criteria: ICSL Variant Classification Criteria 13 December 2019. Collection method: clinical testing. Allele origin: germline.

PreventionGenetics, part of Exact Sciences
Classification: Likely benign for EIF2AK3-related condition. Last evaluated: 2024-01-31. Review status: no assertion criteria provided. Collection method: clinical testing. Allele origin: germline. Not counted in ClinVar's aggregate classification.
Comment: This variant is classified as likely benign based on ACMG/AMP sequence variant interpretation guidelines (Richards et al. 2015 PMID: 25741868, with internal and published modifications).